The following is an entry in ClinVar:

NM_001267550.2(TTN):c.84933C>G (p.Tyr28311Ter)

Genes: TTN (titin; minus strand), TTN-AS1 (TTN antisense RNA 1; plus strand). Cytogenetic location: 2q31.2.
Variant type: single nucleotide variant.
Coding change: c.84933C>G on transcript NM_001267550.2 (MANE Select); coding-DNA position 84933, C replaced by G.
Protein change: p.Tyr28311Ter; replaces tyrosine 28311 with a stop codon.
Molecular consequence: nonsense.
Genome position (GRCh38, 1-based): chr2:178,561,199, G>C on the plus strand (C>G on the coding strand, the complement: TTN is on the minus strand). VCF-style: chr2-178561199-G-C. GRCh37 (hg19) VCF-style: chr2-179425926-G-C.
Other names: c.80010C>G, p.Tyr26670Ter (NM_001256850.1); c.57738C>G, p.Tyr19246Ter (NM_003319.4); c.77229C>G, p.Tyr25743Ter (NM_133378.4); c.58113C>G, p.Tyr19371Ter (NM_133432.3); c.58314C>G, p.Tyr19438Ter (NM_133437.4); short protein forms Y19246*, Y19371*, Y19438*, Y25743*, Y26670*, Y28311*.
Identifiers: ClinVar variation 3223313 (VCV003223313.1), dbSNP rs757013679, ClinGen allele CA349557249.
Genomic context (GRCh38, chr2:178,561,199, plus strand): 5'-ATTCCTTGCAAAAACCCGGAATTCATAACGCTGATCTTCAGTAAGTTCAGTTACTTCAAA[G>C]TATGTTTCTTGTATATTAGTATAATTGCACTTCAGCCACCGGCCATCTGGTAGTTCTCTG-3'

ClinVar aggregate classification (germline): Likely pathogenic (1 of 4 stars; one submission).

Conditions:
Cardiovascular phenotype. Identifiers: MedGen CN230736.

Submission:

Ambry Genetics
Classification: Likely pathogenic for Cardiovascular phenotype. Last evaluated: 2023-02-11. Review status: criteria provided, single submitter. Criteria: Ambry Variant Classification Scheme 2023. Collection method: clinical testing. Allele origin: germline.
Comment: The p.Y19246* variant (also known as c.57738C>G), located in coding exon 153 of the TTN gene, results from a C to G substitution at nucleotide position 57738. This changes the amino acid from a tyrosine to a stop codon within coding exon 153. This exon is located in the A-band region of the N2-B isoform of the titin protein and is constitutively expressed in TTN transcripts (percent spliced in or PSI 100%). This variant is considered to be rare based on population cohorts in the Genome Aggregation Database (gnomAD). This alteration is expected to result in loss of function by premature protein truncation or nonsense-mediated mRNA decay. While truncating variants in TTN are present in 1-3% of the general population, truncating variants in the A-band are the most common cause of dilated cardiomyopathy (DCM) (Herman DS et al. N. Engl. J. Med., 2012 Feb;366:619-28; Roberts AM et al. Sci Transl Med, 2015 Jan;7:270ra6). TTN truncating variants encoded in constitutive exons (PSI >90%) have been found to be significantly associated with DCM regardless of their position in titin (Schafer S et al. Nat. Genet., 2017 01;49:46-53). Based on the majority of available evidence to date, this variant is likely to be pathogenic.